The following is an entry in ClinVar:

ClinVar aggregate classification (germline): Pathogenic. Review status: criteria provided, multiple submitters, no conflicts (2 of 4 stars). 3 submissions from 3 submitters: Pathogenic (3). Last evaluated 2023-04-28.

Conditions:
Hereditary cancer-predisposing syndrome. Also called: Neoplastic Syndromes, Hereditary; Tumor predisposition; Hereditary Cancer Syndrome; Hereditary neoplastic syndrome. Identifiers: Orphanet 140162, MedGen C0027672, MeSH D009386, MONDO:0015356.
Familial adenomatous polyposis 1 (FAP1). Also called: FAMILIAL ADENOMATOUS POLYPOSIS 1, ATTENUATED; POLYPOSIS, ADENOMATOUS INTESTINAL. Identifiers: MedGen C2713442, MONDO:0021056, OMIM 175100. Disease mechanism: loss of function.

Submissions (3):

Myriad Genetics, Inc.
Classification: Pathogenic for Familial adenomatous polyposis 1. Last evaluated: 2023-04-28. Review status: criteria provided, single submitter. Criteria: Myriad Autosomal Dominant, Autosomal Recessive and X-Linked Classification Criteria (2023). Collection method: clinical testing. Allele origin: unknown.
Comment: This variant is considered pathogenic. This variant creates a frameshift predicted to result in premature protein truncation.

Ambry Genetics
Classification: Pathogenic for Hereditary cancer-predisposing syndrome. Last evaluated: 2023-02-14. Review status: criteria provided, single submitter. Criteria: Ambry Variant Classification Scheme 2023. Collection method: clinical testing. Allele origin: germline.
Comment: The c.1124delG pathogenic mutation, located in coding exon 9 of the APC gene, results from a deletion of one nucleotide at nucleotide position 1124, causing a translational frameshift with a predicted alternate stop codon (p.G375Afs*79). This alteration is expected to result in loss of function by premature protein truncation or nonsense-mediated mRNA decay. As such, this alteration is interpreted as a disease-causing mutation.

Labcorp Genetics (formerly Invitae), Labcorp
Classification: Pathogenic for Familial adenomatous polyposis 1. Last evaluated: 2022-01-20. Review status: criteria provided, single submitter. Criteria: Invitae Variant Classification Sherloc (09022015). Collection method: clinical testing. Allele origin: germline.
Comment: This variant has not been reported in the literature in individuals affected with APC-related conditions. For these reasons, this variant has been classified as Pathogenic. ClinVar contains an entry for this variant (Variation ID: 230384). This variant is not present in population databases (gnomAD no frequency). This sequence change creates a premature translational stop signal (p.Gly375Alafs*79) in the APC gene. It is expected to result in an absent or disrupted protein product. Loss-of-function variants in APC are known to be pathogenic (PMID: 17963004, 20685668).

Literature cited by the submitters: PubMed 17963004 (cited by Labcorp Genetics (formerly Invitae), Labcorp); PubMed 20685668 (cited by Labcorp Genetics (formerly Invitae), Labcorp).

NM_000038.6(APC):c.1124del (p.Gly375fs)

Gene: APC (APC regulator of Wnt signaling pathway; plus strand). Cytogenetic location: 5q22.2.
Variant type: Deletion.
Coding change: c.1124del on transcript NM_000038.6 (MANE Select); coding-DNA position 1124, one base deleted (G; older notation c.1124delG).
Protein change: p.Gly375fs; shifts the reading frame from glycine 375.
Molecular consequence: frameshift variant. On other transcripts: intron variant (4).
Genome position (GRCh38, 1-based): chr5:112,819,156, G deleted; the last of 4 consecutive G bases (chr5:112,819,153-112,819,156); deleting any one gives the same sequence. VCF-style (leftmost placement, unchanged base first): chr5-112819152-CG-C. GRCh37 (hg19) VCF-style: chr5-112154849-CG-C.
Other names: c.1124del, p.Gly375fs (NM_001127510.3, NM_001354895.2, NM_001354896.2); c.1070del, p.Gly357fs (NM_001127511.3); c.1154del, p.Gly385fs (NM_001354897.2); c.1049del, p.Gly350fs (NM_001354898.2); c.1040del, p.Gly347fs (NM_001354899.2); c.947del, p.Gly316fs (NM_001354900.2, NM_001354901.2); c.275del, p.Gly92fs (NM_001354906.2); c.964-113del (NM_001354902.2); and 3 more; short protein forms G316fs, G375fs, G350fs, G385fs, G92fs, G347fs, G357fs.
Identifiers: ClinVar variation 230384 (VCV000230384.11), dbSNP rs876658538, ClinGen allele CA10578305.